The following is an entry in ClinVar:

ClinVar aggregate classification (germline): Uncertain significance (1 of 4 stars; one submission).

Allele frequency attached by ClinVar (database versions not stated): gnomAD exomes below 0.00001.

Submission:

Ambry Genetics
Classification: Uncertain significance. Last evaluated: 2022-06-03. Review status: criteria provided, single submitter. Criteria: Ambry Variant Classification Scheme 2023. Collection method: clinical testing. Allele origin: germline.
Comment: The p.S504T variant (also known as c.1511G>C), located in coding exon 1 of the MLH3 gene, results from a G to C substitution at nucleotide position 1511. The serine at codon 504 is replaced by threonine, an amino acid with similar properties. This amino acid position is conserved. In addition, this alteration is predicted to be tolerated by in silico analysis. Since supporting evidence is limited at this time, the clinical significance of this alteration remains unclear.

NM_001040108.2(MLH3):c.1511G>C (p.Ser504Thr)

Gene: MLH3 (mutL homolog 3; minus strand). Cytogenetic location: 14q24.3.
Variant type: single nucleotide variant.
Coding change: c.1511G>C on transcript NM_001040108.2 (MANE Select); coding-DNA position 1511, G replaced by C.
Protein change: p.Ser504Thr; replaces serine 504 with threonine.
Molecular consequence: missense variant.
Genome position (GRCh38, 1-based): chr14:75,048,145, C>G on the plus strand (G>C on the coding strand, the complement: MLH3 is on the minus strand). VCF-style: chr14-75048145-C-G. GRCh37 (hg19) VCF-style: chr14-75514848-C-G.
Other names: c.1511G>C, p.Ser504Thr (NM_014381.3); short protein forms S504T.
Identifiers: ClinVar variation 1774221 (VCV001774221.2), dbSNP rs2503293528, ClinGen allele CA390445275.
Genomic context (GRCh38, chr14:75,048,145, plus strand): 5'-TCCTGCCCACTCTCCTCAAAGTGACATGGTGTCTGAAAAGGGCTTAAAAACATTTCTAAA[C>G]TGGTTCCACACGGATTTTCTAAAGAGCTATGTTCCAGGAAAGATTTTTTATGTTTCTCAT-3'
Protein context (NP_001035197.1, residues 494-514): HSSLENPCGT[Ser504Thr]LEMFLSPFQT